The following is an entry in ClinVar:

ClinVar aggregate classification (germline): Pathogenic. Review status: criteria provided, multiple submitters, no conflicts (2 of 4 stars). 5 submissions from 5 submitters: Pathogenic (5). Last evaluated 2025-04-25.

Conditions:
Mandibulofacial dysostosis-microcephaly syndrome (MFDGA). Also called: Mandibulofacial dysostosis, Guion-Almeida type; Growth and mental retardation, mandibulofacial dysostosis, microcephaly, and cleft palate. Identifiers: Orphanet 79113, MedGen C1864652, MONDO:0012516, OMIM 610536.

Submissions (5):

Variantyx, Inc.
Classification: Pathogenic for Mandibulofacial dysostosis-microcephaly syndrome. Last evaluated: 2025-04-25. Review status: criteria provided, single submitter. Criteria: Variantyx Assertion Criteria 2022. Collection method: clinical testing. Allele origin: de novo. Inheritance: Autosomal dominant inheritance. Affected: yes.
Comment: This is a frameshift variant in the EFTUD2 gene (OMIM: 603892). Pathogenic variants in this gene have been associated with autosomal dominant mandibulofacial dysostosis with microcephaly. This variant likely occurred de novo in the current proband, individuals reported in the published literature, previous internal cases; however, the possibility of parental germline mosaicism cannot be excluded (PMID: 26507355, 38041506) (PS2_Moderate). This variant introduces a premature termination codon in exon 15 out of 28 and is expected to result in loss of function, which is a known disease mechanism for EFTUD2 in this disorder (PMID: 23188108, 22305528) (PVS1). This variant is absent from control populations (PM2). Based on the current evidence, this variant is classified as pathogenic for autosomal dominant mandibulofacial dysostosis with microcephaly.

3billion
Classification: Pathogenic for Mandibulofacial dysostosis-microcephaly syndrome. Last evaluated: 2024-09-28. Review status: criteria provided, single submitter. Criteria: ACMG Guidelines, 2015. Collection method: clinical testing. Allele origin: germline. Affected: yes.
Comment: The variant is not observed in the gnomAD v4.1.0 dataset. Predicted Consequence/Location: Frameshift: predicted to result in a loss or disruption of normal protein function through nonsense-mediated decay (NMD) or protein truncation. Multiple pathogenic variants are reported downstream of the variant. The variant has been reported at least twice as pathogenic with clinical assertions and evidence for the classification (ClinVar ID: VCV000210915 /PMID: 26507355). Therefore, this variant is classified as Pathogenic according to the recommendation of ACMG/AMP guideline.

Equipe Genetique des Anomalies du Developpement, Université de Bourgogne
Classification: Pathogenic for Mandibulofacial dysostosis-microcephaly syndrome. Last evaluated: 2021-10-18. Review status: criteria provided, single submitter. Criteria: ACMG Guidelines, 2015. Collection method: clinical testing. Allele origin: de novo. Affected: yes.

Genetic Services Laboratory, University of Chicago
Classification: Pathogenic for Mandibulofacial dysostosis, Guion-Almeida type. Last evaluated: 2015-05-04. Review status: criteria provided, single submitter. Criteria: ACMG Guidelines, 2015. Collection method: clinical testing. Allele origin: germline. Affected: yes.

Clinical Genetics Service, Universitary Hospital 12 de Octubre
Classification: Pathogenic for Mandibulofacial dysostosis-microcephaly syndrome. Review status: criteria provided, single submitter. Criteria: ACMG Guidelines, 2015. Collection method: clinical testing. Allele origin: de novo. Affected: yes.

Literature cited by the submitters: PubMed 23188108 (cited by Variantyx, Inc.); PubMed 22305528 (cited by Variantyx, Inc.); PubMed 26507355 (cited by Variantyx, Inc. and 3billion); PubMed 38041506 (cited by Variantyx, Inc.).

NM_004247.4(EFTUD2):c.1297_1298del (p.Met433fs)

Gene: EFTUD2 (elongation factor Tu GTP binding domain containing 2; minus strand). Cytogenetic location: 17q21.31.
Variant type: Deletion.
Coding change: c.1297_1298del on transcript NM_004247.4 (MANE Select); coding-DNA positions 1297 to 1298, 2 bases deleted (AT; older notation c.1297_1298delAT).
Protein change: p.Met433fs; shifts the reading frame from methionine 433.
Molecular consequence: frameshift variant.
Genome position (GRCh38, 1-based): chr17:44,863,770-44,863,771, AT deleted on the plus strand (AT on the coding strand, the reverse complement: EFTUD2 is on the minus strand). VCF-style (leftmost placement, unchanged base first): chr17-44863769-CAT-C. GRCh37 (hg19) VCF-style: chr17-42941137-CAT-C.
Other names: c.1192_1193del, p.Met398fs (NM_001142605.2); c.1297_1298del, p.Met433fs (NM_001258353.2); c.1267_1268del, p.Met423fs (NM_001258354.2); short protein forms M433fs, M398fs, M423fs.
Identifiers: ClinVar variation 210915 (VCV000210915.10), dbSNP rs797045551, ClinGen allele CA276960.
Genomic context (GRCh38, chr17:44,863,769, plus strand): 5'-GTAGGTGTGCTCAATCTTGGGCTTGGCGCCCACCTTTGGAGAAGGGATATGCTGCACACA[CAT>C]GTCCACAAAGCCTGTGGATGGAGAAGAGAAAGCCATTAATACATGCCTTCCCAGGGAGCA-3'